The following is an entry in ClinVar:

NM_000466.3(PEX1):c.2575C>A (p.Pro859Thr)

Gene: PEX1 (peroxisomal biogenesis factor 1; minus strand). Cytogenetic location: 7q21.2.
Variant type: single nucleotide variant.
Coding change: c.2575C>A on transcript NM_000466.3 (MANE Select); coding-DNA position 2575, C replaced by A.
Protein change: p.Pro859Thr; replaces proline 859 with threonine.
Molecular consequence: missense variant.
Genome position (GRCh38, 1-based): chr7:92,501,515, G>T on the plus strand (C>A on the coding strand, the complement: PEX1 is on the minus strand). VCF-style: chr7-92501515-G-T. GRCh37 (hg19) VCF-style: chr7-92130829-G-T.
Other names: c.2404C>A, p.Pro802Thr (NM_001282677.2); c.1951C>A, p.Pro651Thr (NM_001282678.2); short protein forms P859T, P651T, P802T.
Identifiers: ClinVar variation 1936452 (VCV001936452.5), dbSNP rs1214888465, ClinGen allele CA368174788.
Genomic context (GRCh38, chr7:92,501,515, plus strand): 5'-TACAGTGGTTCTTCTGGGAGTAAGTATTCACTTTTTCTTTTTTTAAACATACCTTGGCAG[G>T]TAACTGGATAGTATCCATGAGTATCTGCCTAACTTCATGTAACCCACCAATCTTGTCCCA-3'
Protein context (NP_000457.1, residues 849-869): RQILMDTIQL[Pro859Thr]AKYPELFANL

ClinVar aggregate classification (germline): Uncertain significance (1 of 4 stars; one submission).

Conditions:
Zellweger spectrum disorders (ZS). Also called: Zellweger Spectrum Disorder; Zellweger Spectrum; Zellweger Spectrum Disorder (ZSD); Zellweger syndrome. Identifiers: Orphanet 912, MedGen C0043459, MONDO:0019609.

Allele frequency attached by ClinVar (database versions not stated): gnomAD exomes below 0.00001.
gnomAD v4.1: 2 of 1,612,858 alleles (0.00012%); highest among the groups gnomAD compares: Non-Finnish European, 0.00017%; no homozygotes.

Submission:

Labcorp Genetics (formerly Invitae), Labcorp
Classification: Uncertain significance for Zellweger spectrum disorders. Last evaluated: 2022-11-08. Review status: criteria provided, single submitter. Criteria: Invitae Variant Classification Sherloc (09022015). Collection method: clinical testing. Allele origin: germline.
Comment: In summary, the available evidence is currently insufficient to determine the role of this variant in disease. Therefore, it has been classified as a Variant of Uncertain Significance. Advanced modeling of protein sequence and biophysical properties (such as structural, functional, and spatial information, amino acid conservation, physicochemical variation, residue mobility, and thermodynamic stability) performed at Invitae indicates that this missense variant is expected to disrupt PEX1 protein function. This variant has not been reported in the literature in individuals affected with PEX1-related conditions. This variant is not present in population databases (gnomAD no frequency). This sequence change replaces proline, which is neutral and non-polar, with threonine, which is neutral and polar, at codon 859 of the PEX1 protein (p.Pro859Thr).